The following is an entry in ClinVar:

ClinVar aggregate classification (germline): Uncertain significance (1 of 4 stars; one submission).

Allele frequency attached by ClinVar (database versions not stated): gnomAD exomes 0.00003; TOPMed 0.00004; gnomAD 0.00005 and 0.00006.
gnomAD v4.1: 41 of 1,595,826 alleles (0.0026%); highest among the groups gnomAD compares: East Asian, 0.0045%; no homozygotes.

Submission:

Labcorp Genetics (formerly Invitae), Labcorp
Classification: Uncertain significance. Last evaluated: 2025-03-22. Review status: criteria provided, single submitter. Criteria: Invitae Variant Classification Sherloc (09022015). Collection method: clinical testing. Allele origin: germline.
Comment: This sequence change replaces glycine, which is neutral and non-polar, with arginine, which is basic and polar, at codon 802 of the PLEKHM2 protein (p.Gly802Arg). The frequency data for this variant in the population databases is considered unreliable, as metrics indicate poor data quality at this position in the gnomAD database. This variant has not been reported in the literature in individuals affected with PLEKHM2-related conditions. ClinVar contains an entry for this variant (Variation ID: 1398602). An algorithm developed to predict the effect of missense changes on protein structure and function (PolyPhen-2) suggests that this variant is likely to be disruptive. In summary, the available evidence is currently insufficient to determine the role of this variant in disease. Therefore, it has been classified as a Variant of Uncertain Significance.

NM_015164.4(PLEKHM2):c.2404G>A (p.Gly802Arg)

Gene: PLEKHM2 (pleckstrin homology and RUN domain containing M2; plus strand). Cytogenetic location: 1p36.21.
Variant type: single nucleotide variant.
Coding change: c.2404G>A on transcript NM_015164.4 (MANE Select); coding-DNA position 2404, G replaced by A.
Protein change: p.Gly802Arg; replaces glycine 802 with arginine.
Molecular consequence: missense variant.
Genome position (GRCh38, 1-based): chr1:15,731,196, G>A. VCF-style: chr1-15731196-G-A. GRCh37 (hg19) VCF-style: chr1-16057691-G-A.
Other names: short protein forms G802R.
Identifiers: ClinVar variation 1398602 (VCV001398602.8), dbSNP rs745867909, ClinGen allele CA617237.